The following is an entry in ClinVar:

NM_001089.3(ABCA3):c.4682G>A (p.Arg1561Gln)

Gene: ABCA3 (ATP binding cassette subfamily A member 3; minus strand). Cytogenetic location: 16p13.3.
Variant type: single nucleotide variant.
Coding change: c.4682G>A on transcript NM_001089.3 (MANE Select); coding-DNA position 4682, G replaced by A.
Protein change: p.Arg1561Gln; replaces arginine 1561 with glutamine.
Molecular consequence: missense variant.
Genome position (GRCh38, 1-based): chr16:2,278,324, C>T on the plus strand (G>A on the coding strand, the complement: ABCA3 is on the minus strand). VCF-style: chr16-2278324-C-T. GRCh37 (hg19) VCF-style: chr16-2328325-C-T.
Other names: short protein forms R1561Q.
Identifiers: ClinVar variation 886353 (VCV000886353.7), dbSNP rs373301521, ClinGen allele CA7840047.
Genomic context (GRCh38, chr16:2,278,324, plus strand): 5'-GTAACCCACAGACCCAGGCTCTACCTGTGGGAGGTGATGATGATGGCCTTGCCAGACTCT[C>T]GGGCTCGTGCCACGGTGTCCCAAAGCAGGCGCCGGGCCACGGGGTCCATGCCAGTGGACG-3'
Protein context (NP_001080.2, residues 1551-1571): RLLWDTVARA[Arg1561Gln]ESGKAIIITS

ClinVar aggregate classification (germline): Uncertain significance. Review status: criteria provided, multiple submitters, no conflicts (2 of 4 stars). 3 submissions from 3 submitters: Uncertain significance (3). Last evaluated 2021-10-01.

Conditions:
Hereditary pulmonary alveolar proteinosis. Also called: Pulmonary surfactant metabolism dysfunction. Identifiers: Orphanet 264675, MedGen C3711368, MONDO:0012580.
Interstitial lung disease due to ABCA3 deficiency. Also called: PULMONARY ALVEOLAR PROTEINOSIS, CONGENITAL, 3. Identifiers: Orphanet 440402, MedGen C1970456, MONDO:0012582, OMIM 610921.

Allele frequency attached by ClinVar (database versions not stated): ExAC 0.00003; gnomAD exomes 0.00004 and 0.00010; TOPMed 0.00005; gnomAD 0.00006; ESP Exome Variant Server 0.00015.

Submissions (3):

Blueprint Genetics
Classification: Uncertain significance. Last evaluated: 2021-10-01. Review status: criteria provided, single submitter. Criteria: ACMG Guidelines, 2015. Collection method: clinical testing. Allele origin: germline.

Ambry Genetics
Classification: Uncertain significance for Hereditary pulmonary alveolar proteinosis. Last evaluated: 2017-09-22. Review status: criteria provided, single submitter. Criteria: Ambry Variant Classification Scheme 2023. Collection method: clinical testing. Allele origin: germline.
Comment: The p.R1561Q variant (also known as c.4682G>A), located in coding exon 27 of the ABCA3 gene, results from a G to A substitution at nucleotide position 4682. The arginine at codon 1561 is replaced by glutamine, an amino acid with highly similar properties. This amino acid position is highly conserved in available vertebrate species. In addition, this alteration is predicted to be deleterious by in silico analysis. Since supporting evidence is limited at this time, the clinical significance of this alteration remains unclear.

Illumina Laboratory Services, Illumina
Classification: Uncertain significance for Interstitial lung disease due to ABCA3 deficiency. Last evaluated: 2017-04-27. Review status: criteria provided, single submitter. Criteria: ICSL Variant Classification Criteria 13 December 2019. Collection method: clinical testing. Allele origin: germline.
Comment: This variant was observed as part of a predisposition screen in an ostensibly healthy population. A literature search was performed for the gene, cDNA change, and amino acid change (where applicable). Publications were found based on this search. However, the evidence from the literature, in combination with allele frequency data from public databases where available, was not sufficient to rule this variant in or out of causing disease. Therefore, this variant is classified as a variant of unknown significance.

Literature cited by the submitters: PubMed 23166334 (cited by Illumina Laboratory Services, Illumina).